The following is an entry in ClinVar:

ClinVar aggregate classification (germline): Uncertain significance (1 of 4 stars; one submission).

Conditions:
DAO-related disorder. Also called: DAO-related condition.

Allele frequency attached by ClinVar (database versions not stated): TOPMed 0.00006; gnomAD 0.00009.

Submission:

PreventionGenetics, part of Exact Sciences
Classification: Uncertain significance for DAO-related condition. Last evaluated: 2023-03-24. Review status: criteria provided, single submitter. Criteria: ACMG Guidelines, 2015. Collection method: clinical testing. Allele origin: germline.
Comment: The DAO c.890G>A variant is predicted to result in the amino acid substitution p.Arg297His. To our knowledge, this variant has not been reported in the literature. This variant is reported in 0.016% of alleles in individuals of South Asian descent in gnomAD. At this time, the clinical significance of this variant is uncertain due to the absence of conclusive functional and genetic evidence.

NM_001917.5(DAO):c.890G>A (p.Arg297His)

Gene: DAO (D-amino acid oxidase; plus strand). Cytogenetic location: 12q24.11.
Variant type: single nucleotide variant.
Coding change: c.890G>A on transcript NM_001917.5 (MANE Select); coding-DNA position 890, G replaced by A.
Protein change: p.Arg297His; replaces arginine 297 with histidine.
Molecular consequence: missense variant. On other transcripts: 3 prime UTR variant (1).
Genome position (GRCh38, 1-based): chr12:108,899,453, G>A. VCF-style: chr12-108899453-G-A. GRCh37 (hg19) VCF-style: chr12-109293229-G-A.
Other names: c.890G>A, p.Arg297His (NM_001413634.1); c.*16G>A (NM_001413635.1); short protein forms R297H.
Identifiers: ClinVar variation 2635665 (VCV002635665.1), dbSNP rs760432003, ClinGen allele CA6771278.